The following is an entry in ClinVar:

NM_003227.4(TFR2):c.1039G>A (p.Ala347Thr)

Gene: TFR2 (transferrin receptor 2; minus strand). Cytogenetic location: 7q22.1.
Variant type: single nucleotide variant.
Coding change: c.1039G>A on transcript NM_003227.4 (MANE Select); coding-DNA position 1039, G replaced by A.
Protein change: p.Ala347Thr; replaces alanine 347 with threonine.
Molecular consequence: missense variant.
Genome position (GRCh38, 1-based): chr7:100,631,873, C>T on the plus strand (G>A on the coding strand, the complement: TFR2 is on the minus strand). VCF-style: chr7-100631873-C-T. GRCh37 (hg19) VCF-style: chr7-100229496-C-T.
Other names: c.526G>A, p.Ala176Thr (NM_001206855.3); c.1039G>A (NM_003227.3); short protein forms A347T, A176T.
Identifiers: ClinVar variation 3670564 (VCV003670564.3).

ClinVar aggregate classification (germline): Likely benign. Review status: criteria provided, multiple submitters, no conflicts (2 of 4 stars). 2 submissions from 2 submitters: Likely benign (2). Last evaluated 2026-09-01.

Conditions:
TFR2-related disorder. Also called: TFR2-related condition.
Hereditary hemochromatosis (HFE). Identifiers: MedGen C0392514, MONDO:0006507. Disease mechanism: loss of function.

Submissions (2):

PreventionGenetics, part of Exact Sciences
Classification: Likely benign for TFR2-related condition. Last evaluated: 2026-09-01. Review status: criteria provided, single submitter. Criteria: ACMG Guidelines, 2015. Collection method: clinical testing. Allele origin: germline.
Comment: This variant is classified as likely benign based on ACMG/AMP sequence variant interpretation guidelines (Richards et al. 2015 PMID: 25741868, with internal and published modifications).

Labcorp Genetics (formerly Invitae), Labcorp
Classification: Likely benign for Hereditary hemochromatosis. Last evaluated: 2025-12-23. Review status: criteria provided, single submitter. Criteria: Invitae Variant Classification Sherloc (09022015). Collection method: clinical testing. Allele origin: germline.